The following is an entry in ClinVar:

NM_138773.4(SLC25A46):c.235G>A (p.Glu79Lys)

Gene: SLC25A46 (solute carrier family 25 member 46; plus strand). Cytogenetic location: 5q22.1.
Variant type: single nucleotide variant.
Coding change: c.235G>A on transcript NM_138773.4 (MANE Select); coding-DNA position 235, G replaced by A.
Protein change: p.Glu79Lys; replaces glutamic acid 79 with lysine.
Molecular consequence: missense variant. On other transcripts: non-coding transcript variant (1), intron variant (1).
Genome position (GRCh38, 1-based): chr5:110,739,354, G>A. VCF-style: chr5-110739354-G-A. GRCh37 (hg19) VCF-style: chr5-110075055-G-A.
Other names: p.Glu79Lys; c.235G>A (NM_138773.3); c.235G>A, p.Glu79Lys (NM_001303249.3); c.10+1107G>A (NM_001303250.3); short protein forms E79K.
Identifiers: ClinVar variation 542455 (VCV000542455.59), dbSNP rs200566665, ClinGen allele CA3364501.

ClinVar aggregate classification (germline): Conflicting classifications of pathogenicity. Review status: criteria provided, conflicting classifications (1 of 4 stars). 8 submissions from 8 submitters: Uncertain significance (1); Likely benign (7). Last evaluated 2026-01-28.

Conditions:
SLC25A46-related disorder. Also called: SLC25A46-related condition.
Neuropathy, hereditary motor and sensory, type 6B (HMSN6B). Also called: HMSN VIB; CHARCOT-MARIE-TOOTH DISEASE, TYPE 6B; NEUROPATHY, HEREDITARY MOTOR AND SENSORY, TYPE VIB, WITH OPTIC ATROPHY; Neuropathy, hereditary motor and sensory, type VIB. Identifiers: MedGen C4225302, MONDO:0014671, OMIM 616505.
Inborn genetic diseases. Identifiers: MedGen C0950123, MeSH D030342.

Allele frequency attached by ClinVar (database versions not stated): 1000 Genomes Project 30x 0.00062; gnomAD 0.00086; TOPMed 0.00120; gnomAD exomes 0.00136; ESP Exome Variant Server 0.00148; ExAC 0.00256; 1000 Genomes Project 0.00040.
gnomAD v4.1: 3,095 of 1,561,996 alleles (0.2%); highest among the groups gnomAD compares: Non-Finnish European, 0.24%; 10 homozygotes.

Submissions (8):

Labcorp Genetics (formerly Invitae), Labcorp
Classification: Likely benign for Neuropathy, hereditary motor and sensory, type 6B. Last evaluated: 2026-01-28. Review status: criteria provided, single submitter. Criteria: Invitae Variant Classification Sherloc (09022015). Collection method: clinical testing. Allele origin: germline.

CeGaT Center for Human Genetics Tuebingen
Classification: Likely benign. Last evaluated: 2025-12-01. Review status: criteria provided, single submitter. Criteria: CeGaT Center For Human Genetics Tuebingen Variant Classification Criteria Version 2. Collection method: clinical testing. Allele origin: germline. Affected: yes. Observed: 9 variant alleles.
Comment: SLC25A46: BS2

Women's Health and Genetics/Laboratory Corporation of America, LabCorp
Classification: Likely benign. Last evaluated: 2025-05-06. Review status: criteria provided, single submitter. Criteria: LabCorp Variant Classification Summary - May 2015. Collection method: clinical testing. Allele origin: germline.
Comment: Variant summary: SLC25A46 c.235G>A (p.Glu79Lys) results in a conservative amino acid change in the encoded protein sequence. Algorithms developed to predict the effect of missense changes on protein structure and function are either unavailable or do not agree on the potential impact of this missense change. The variant allele was found at a frequency of 0.0014 in 167026 control chromosomes, predominantly at a frequency of 0.0025 within the Non-Finnish European subpopulation in the gnomAD database. The observed variant frequency within Non-Finnish European control individuals in the gnomAD database is approximately 2.24 fold of the estimated maximal expected allele frequency for a pathogenic variant in SLC25A46 causing Neuropathy, hereditary motor and sensory, type 6B phenotype (0.0011). To our knowledge, no occurrence of c.235G>A in individuals affected with Neuropathy, hereditary motor and sensory, type 6B and no experimental evidence demonstrating its impact on protein function have been reported. ClinVar contains an entry for this variant (Variation ID: 542455). Based on the evidence outlined above, the variant was classified as likely benign.

PreventionGenetics, part of Exact Sciences
Classification: Likely benign for SLC25A46-related condition. Last evaluated: 2025-03-17. Review status: criteria provided, single submitter. Criteria: ACMG Guidelines, 2015. Collection method: clinical testing. Allele origin: germline.
Comment: This variant is classified as likely benign based on ACMG/AMP sequence variant interpretation guidelines (Richards et al. 2015 PMID: 25741868, with internal and published modifications).

Blueprint Genetics
Classification: Likely benign. Last evaluated: 2024-11-13. Review status: criteria provided, single submitter. Criteria: ACMG Guidelines, 2015. Collection method: clinical testing. Allele origin: germline.

Mayo Clinic Laboratories, Mayo Clinic
Classification: Likely benign. Last evaluated: 2024-06-13. Review status: criteria provided, single submitter. Criteria: ACMG Guidelines, 2015. Collection method: clinical testing. Allele origin: germline. Observed: 7 variant alleles.
Comment: BS1, BP4

GeneDx
Classification: Uncertain significance. Last evaluated: 2024-06-10. Review status: criteria provided, single submitter. Criteria: GeneDx Variant Classification Process June 2021. Collection method: clinical testing. Allele origin: germline. Affected: yes.
Comment: In silico analysis indicates that this missense variant does not alter protein structure/function; Has not been previously published as pathogenic or benign in the peer-reviewed literature to our knowledge; This variant is associated with the following publications: (PMID: Liu_2022[Preprint])

Ambry Genetics
Classification: Likely benign for Inborn genetic diseases. Last evaluated: 2019-09-15. Review status: criteria provided, single submitter. Criteria: Ambry Variant Classification Scheme 2023. Collection method: clinical testing. Allele origin: germline.